The following is an entry in ClinVar:

NM_006030.4(CACNA2D2):c.3116G>A (p.Arg1039Lys)

Genes: CACNA2D2 (calcium voltage-gated channel auxiliary subunit alpha2delta 2; minus strand), LOC127898564 (CYB561D2-LOC101928965; plus strand). Cytogenetic location: 3p21.31.
Variant type: single nucleotide variant.
Coding change: c.3116G>A on transcript NM_006030.4 (MANE Select); coding-DNA position 3116, G replaced by A.
Protein change: p.Arg1039Lys; replaces arginine 1039 with lysine.
Molecular consequence: missense variant.
Genome position (GRCh38, 1-based): chr3:50,365,167, C>T on the plus strand (G>A on the coding strand, the complement: CACNA2D2 is on the minus strand). VCF-style: chr3-50365167-C-T. GRCh37 (hg19) VCF-style: chr3-50402598-C-T.
Other names: c.3116G>A, p.Arg1039Lys (NM_001005505.3); c.3137G>A, p.Arg1046Lys (NM_001174051.3); c.2909G>A, p.Arg970Lys (NM_001291101.1); c.3137G>A (NM_001174051.1); short protein forms R1046K, R1039K, R970K.
Identifiers: ClinVar variation 461319 (VCV000461319.8), dbSNP rs1013511770, ClinGen allele CA74606239.

ClinVar aggregate classification (germline): Uncertain significance. Review status: criteria provided, multiple submitters, no conflicts (2 of 4 stars). 3 submissions from 3 submitters: Uncertain significance (3). Last evaluated 2022-03-14.

Conditions:
Inborn genetic diseases. Identifiers: MedGen C0950123, MeSH D030342.
Developmental and epileptic encephalopathy. Identifiers: MedGen C5779964, MONDO:0100620.
Cerebellar atrophy with seizures and variable developmental delay. Identifiers: MedGen C5193132, MONDO:0032788, OMIM 618501.

Allele frequency attached by ClinVar (database versions not stated): TOPMed 0.00003; gnomAD 0.00004.
gnomAD v4.1: 16 of 1,612,048 alleles (0.00099%); highest among the groups gnomAD compares: African/African-American, 0.0027%; no homozygotes.

Submissions (3):

Labcorp Genetics (formerly Invitae), Labcorp
Classification: Uncertain significance for Early-infantile DEE. Last evaluated: 2022-03-14. Review status: criteria provided, single submitter. Criteria: Invitae Variant Classification Sherloc (09022015). Collection method: clinical testing. Allele origin: germline.
Comment: This sequence change replaces arginine, which is basic and polar, with lysine, which is basic and polar, at codon 1039 of the CACNA2D2 protein (p.Arg1039Lys). This variant is present in population databases (no rsID available, gnomAD 0.02%). This variant has not been reported in the literature in individuals affected with CACNA2D2-related conditions. ClinVar contains an entry for this variant (Variation ID: 461319). Algorithms developed to predict the effect of missense changes on protein structure and function are either unavailable or do not agree on the potential impact of this missense change (SIFT: "Deleterious"; PolyPhen-2: "Benign"; Align-GVGD: "Class C0"). In summary, the available evidence is currently insufficient to determine the role of this variant in disease. Therefore, it has been classified as a Variant of Uncertain Significance.

Fulgent Genetics
Classification: Uncertain significance for Cerebellar atrophy with seizures and variable developmental delay. Last evaluated: 2022-02-28. Review status: criteria provided, single submitter. Criteria: ACMG Guidelines, 2015. Collection method: clinical testing. Allele origin: unknown.

Ambry Genetics
Classification: Uncertain significance for Inborn genetic diseases. Last evaluated: 2021-08-16. Review status: criteria provided, single submitter. Criteria: Ambry Variant Classification Scheme 2023. Collection method: clinical testing. Allele origin: germline.